The following is an entry in ClinVar:

ClinVar aggregate classification (germline): Uncertain significance. Review status: criteria provided, multiple submitters, no conflicts (2 of 4 stars). 2 submissions from 2 submitters: Uncertain significance (2). Last evaluated 2025-02-10.

Conditions:
Spinal muscular atrophy (SMA). Identifiers: MedGen C0026847, MeSH D009134, MONDO:0001516, HP:0007269.

Allele frequency attached by ClinVar (database versions not stated): gnomAD 0.00013 and 0.00014; ExAC 0.00005; ESP Exome Variant Server 0.00015.
gnomAD v4.1: 37 of 1,612,796 alleles (0.0023%); highest among the groups gnomAD compares: African/African-American, 0.045%; no homozygotes.

Submissions (2):

Labcorp Genetics (formerly Invitae), Labcorp
Classification: Uncertain significance for Spinal muscular atrophy. Last evaluated: 2025-02-10. Review status: criteria provided, single submitter. Criteria: Invitae Variant Classification Sherloc (09022015). Collection method: clinical testing. Allele origin: germline.
Comment: This sequence change replaces arginine, which is basic and polar, with serine, which is neutral and polar, at codon 288 of the SMN1 protein (p.Arg288Ser). The frequency data for this variant in the population databases (gnomAD) is considered unreliable due to the presence of homologous sequence, such as pseudogenes or paralogs, in the genome. This variant has not been reported in the literature in individuals affected with SMN1-related conditions. ClinVar contains an entry for this variant (Variation ID: 928625). An algorithm developed to predict the effect of missense changes on protein structure and function (PolyPhen-2) suggests that this variant is likely to be tolerated. In summary, the available evidence is currently insufficient to determine the role of this variant in disease. Therefore, it has been classified as a Variant of Uncertain Significance.

Women's Health and Genetics/Laboratory Corporation of America, LabCorp
Classification: Uncertain significance. Last evaluated: 2019-10-01. Review status: criteria provided, single submitter. Criteria: LabCorp Variant Classification Summary - May 2015. Collection method: clinical testing. Allele origin: germline.
Comment: Variant summary: SMN1 c.864G>T (p.Arg288Ser) results in a non-conservative amino acid change in the encoded protein sequence. Three of five in-silico tools predict a damaging effect of the variant on protein function. The variant allele was found at a frequency of 2.8e-05 in 248204 control chromosomes (gnomAD). The available data on variant occurrences in the general population are insufficient to allow any conclusion about variant significance. c.864G>T has been reported in the literature (Sneha_2018). This report however, does not provide unequivocal conclusions about association of the variant with Spinal Muscular Atrophy. To our knowledge, no experimental evidence demonstrating an impact on protein function has been reported. No clinical diagnostic laboratories have submitted clinical-significance assessments for this variant to ClinVar after 2014. Based on the evidence outlined above, the variant was classified as uncertain significance.

Literature cited by the submitters: PubMed 30006696 (cited by Women's Health and Genetics/Laboratory Corporation of America, LabCorp).

NM_000344.4(SMN1):c.864G>T (p.Arg288Ser)

Gene: SMN1 (survival of motor neuron 1, telomeric). Cytogenetic location: 5q13.2.
Variant type: single nucleotide variant.
Coding change: c.864G>T on transcript NM_000344.4 (MANE Select); coding-DNA position 864, G replaced by T.
Protein change: p.Arg288Ser; replaces arginine 288 with serine.
Molecular consequence: missense variant. On other transcripts: intron variant (1).
Genome position (GRCh38, 1-based): chr5:70,951,970, G>T. VCF-style: chr5-70951970-G-T. GRCh37 (hg19) VCF-style: chr5-70247797-G-T.
Other names: c.768G>T, p.Arg256Ser (NM_022874.2); c.835-469G>T (NM_001297715.1); short protein forms R256S, R288S.
Identifiers: ClinVar variation 928625 (VCV000928625.9), dbSNP rs368899583, ClinGen allele CA3295121.